The following is an entry in ClinVar:

NM_002225.5(IVD):c.1208_1230dup (p.Arg411delinsGlyLeuGlyProAlaArgTer)

Gene: IVD (isovaleryl-CoA dehydrogenase; plus strand). Cytogenetic location: 15q15.1.
Variant type: Duplication.
Coding change: c.1208_1230dup on transcript NM_002225.5 (MANE Select); coding-DNA positions 1208 to 1230, 23 bases duplicated (GGGCTGGGACCAGCGAGGTGAGG).
Protein change: p.Arg411delinsGlyLeuGlyProAlaArgTer.
Molecular consequence: nonsense. On other transcripts: intron variant (3).
Genome position (GRCh38, 1-based): chr15:40,418,199-40,418,221, GGGCTGGGACCAGCGAGGTGAGG duplicated; duplicating any 23 consecutive bases within chr15:40,418,198-40,418,221 gives the same sequence; the c. name uses the placement nearest the transcript's 3' end. VCF-style (leftmost placement, unchanged base first): chr15-40418197-A-AGGGGCTGGGACCAGCGAGGTGAG. GRCh37 (hg19) VCF-style: chr15-40710396-A-AGGGGCTGGGACCAGCGAGGTGAG.
Other names: c.1118_1140dup, p.Arg381delinsGlyLeuGlyProAlaArgTer (NM_001159508.3); c.1160_1182dup, p.Arg395delinsGlyLeuGlyProAlaArgTer (NM_001354597.3); c.1295_1317dup, p.Arg440delinsGlyLeuGlyProAlaArgTer (NM_001354599.3); c.1225+1837_1225+1859dup (NM_001354600.3); c.1138+1837_1138+1859dup (NM_001354598.3, NM_001354601.3).
Identifiers: ClinVar variation 2850099 (VCV002850099.3), dbSNP rs2542783787, ClinGen allele CA2739278824.

ClinVar aggregate classification (germline): Pathogenic (1 of 4 stars; one submission).

Conditions:
Isovaleryl-CoA dehydrogenase deficiency (IVA). Also called: ISOVALERIC ACID CoA DEHYDROGENASE DEFICIENCY; Isovaleric acidemia; IVD DEFICIENCY; Classic Isovaleric Acidemia. Identifiers: Orphanet 33, MedGen C0268575, MONDO:0009475, OMIM 243500.

Submission:

Labcorp Genetics (formerly Invitae), Labcorp
Classification: Pathogenic for Isovaleryl-CoA dehydrogenase deficiency. Last evaluated: 2025-06-04. Review status: criteria provided, single submitter. Criteria: Invitae Variant Classification Sherloc (09022015). Collection method: clinical testing. Allele origin: germline.
Comment: This sequence change creates a premature translational stop signal (p.Arg414Glyfs*7) in the IVD gene. While this is not anticipated to result in nonsense mediated decay, it is expected to disrupt the last 13 amino acid(s) of the IVD protein. This variant is not present in population databases (gnomAD no frequency). This variant has not been reported in the literature in individuals affected with IVD-related conditions. ClinVar contains an entry for this variant (Variation ID: 2850099). This variant disrupts a region of the IVD protein in which other variant(s) (p.Arg414Trp) have been determined to be pathogenic (PMID: 25220015; internal data). This suggests that this is a clinically significant region of the protein, and that variants that disrupt it are likely to be disease-causing. For these reasons, this variant has been classified as Pathogenic.

Literature cited by the submitters: PubMed 25220015.